The following is an entry in ClinVar:

ClinVar aggregate classification (germline): Likely pathogenic (1 of 4 stars; one submission).

Conditions:
Primary ciliary dyskinesia 3. Identifiers: Orphanet 244, MedGen C1837618, MONDO:0012085, OMIM 608644.

Submission:

3billion
Classification: Likely pathogenic for Primary ciliary dyskinesia 3. Last evaluated: 2022-05-22. Review status: criteria provided, single submitter. Criteria: ACMG Guidelines, 2015. Collection method: clinical testing. Allele origin: germline. Affected: yes. Observed: 1 heterozygote.
Comment: The variant is not observed in the gnomAD v2.1.1 dataset. Canonical splice site: predicted to alter splicing and result in a loss or disruption of normal protein function through nonsense-mediated decay (NMD) or protein truncation. Multiple pathogenic variants are reported downstream of the variant. Therefore, this variant is classified as likely pathogenic according to the recommendation of ACMG/AMP guideline.

NM_001369.3(DNAH5):c.7231-11_7240del

Gene: DNAH5 (dynein axonemal heavy chain 5; minus strand). Cytogenetic location: 5p15.2.
Variant type: Deletion.
Coding change: c.7231-11_7240del on transcript NM_001369.3 (MANE Select); 11 bases into the intron before coding-DNA position 7231 through coding-DNA position 7240, 21 bases deleted (TGAACTGACAGGGTTTTCTTA).
Molecular consequence: splice acceptor variant.
Genome position (GRCh38, 1-based): chr5:13,811,814-13,811,834, TAAGAAAACCCTGTCAGTTCA deleted on the plus strand (TGAACTGACAGGGTTTTCTTA on the coding strand, the reverse complement: DNAH5 is on the minus strand). VCF-style (leftmost placement, unchanged base first): chr5-13811813-TTAAGAAAACCCTGTCAGTTCA-T. GRCh37 (hg19) VCF-style: chr5-13811922-TTAAGAAAACCCTGTCAGTTCA-T.
Identifiers: ClinVar variation 1687442 (VCV001687442.1), dbSNP rs2127027745, ClinGen allele CA2573138481.